The following is an entry in ClinVar:

ClinVar aggregate classification (germline): Conflicting classifications of pathogenicity. Review status: criteria provided, conflicting classifications (1 of 4 stars). 11 submissions from 11 submitters: Uncertain significance (2); Likely benign (5). 4 of the submissions do not count toward it. Last evaluated 2026-01-30.

Conditions:
MAN2B1-related disorder. Also called: MAN2B1-related condition.
Deficiency of alpha-mannosidase (MANSA). Also called: LYSOSOMAL ALPHA-D-MANNOSIDASE DEFICIENCY; Alpha-Mannosidosis; Mannosidosis, alpha-, types I and II. Identifiers: Orphanet 61, MedGen C0024748, MONDO:0009561, OMIM 248500.

Allele frequency attached by ClinVar (database versions not stated): 1000 Genomes Project 0.00140; 1000 Genomes Project 30x 0.00156; gnomAD exomes 0.00230 and 0.00458; gnomAD 0.00236 and 0.00237; TOPMed 0.00257; ExAC 0.00280; ESP Exome Variant Server 0.00308.
gnomAD v4.1: 7,002 of 1,612,812 alleles (0.43%); highest among the groups gnomAD compares: Non-Finnish European, 0.54%; 28 homozygotes.

Submissions (11):

Labcorp Genetics (formerly Invitae), Labcorp
Classification: Likely benign for Deficiency of alpha-mannosidase. Last evaluated: 2026-01-30. Review status: criteria provided, single submitter. Criteria: Invitae Variant Classification Sherloc (09022015). Collection method: clinical testing. Allele origin: germline.

Blueprint Genetics
Classification: Likely benign. Last evaluated: 2024-11-21. Review status: criteria provided, single submitter. Criteria: ACMG Guidelines, 2015. Collection method: clinical testing. Allele origin: germline.

CeGaT Center for Human Genetics Tuebingen
Classification: Likely benign. Last evaluated: 2024-07-01. Review status: criteria provided, single submitter. Criteria: CeGaT Center For Human Genetics Tuebingen Variant Classification Criteria Version 2. Collection method: clinical testing. Allele origin: germline. Affected: yes. Observed: 4 variant alleles.
Comment: MAN2B1: BS2

Genome-Nilou Lab
Classification: Likely benign for Deficiency of alpha-mannosidase. Last evaluated: 2021-09-05. Review status: criteria provided, single submitter. Criteria: ACMG Guidelines, 2015. Collection method: clinical testing. Allele origin: germline. Affected: no.

Mayo Clinic Laboratories, Mayo Clinic
Classification: Uncertain significance for Deficiency of alpha-mannosidase. Last evaluated: 2017-09-21. Review status: criteria provided, single submitter. Criteria: ACMG Guidelines, 2015. Collection method: clinical testing. Allele origin: maternal.

Illumina Laboratory Services, Illumina
Classification: Uncertain significance for Deficiency of alpha-mannosidase. Last evaluated: 2017-04-27. Review status: criteria provided, single submitter. Criteria: ICSL Variant Classification Criteria 13 December 2019. Collection method: clinical testing. Allele origin: germline.
Comment: This variant was observed as part of a predisposition screen in an ostensibly healthy population. A literature search was performed for the gene, cDNA change, and amino acid change (where applicable). Publications were found based on this search. However, the evidence from the literature, in combination with allele frequency data from public databases where available, was not sufficient to rule this variant in or out of causing disease. Therefore, this variant is classified as a variant of unknown significance.

Eurofins Ntd Llc (ga)
Classification: Likely benign. Last evaluated: 2015-03-30. Review status: criteria provided, single submitter. Criteria: EGL Classification Definitions 2015. Collection method: clinical testing. Allele origin: germline.

PreventionGenetics, part of Exact Sciences
Classification: Likely benign for MAN2B1-related condition. Last evaluated: 2021-03-12. Review status: no assertion criteria provided. Collection method: clinical testing. Allele origin: germline. Not counted in ClinVar's aggregate classification.
Comment: This variant is classified as likely benign based on ACMG/AMP sequence variant interpretation guidelines (Richards et al. 2015 PMID: 25741868, with internal and published modifications).

Natera, Inc.
Classification: Benign for Alpha-mannosidosis. Last evaluated: 2019-12-27. Review status: no assertion criteria provided. Collection method: clinical testing. Allele origin: germline. Not counted in ClinVar's aggregate classification.

Clinical Genetics DNA and cytogenetics Diagnostics Lab, Erasmus MC, Erasmus Medical Center
Classification: Likely benign. Review status: no assertion criteria provided. Collection method: clinical testing. Allele origin: germline. Affected: yes. Study: VKGL Data-share Consensus. Not counted in ClinVar's aggregate classification.

Laboratory of Diagnostic Genome Analysis, Leiden University Medical Center (LUMC)
Classification: Likely benign. Review status: no assertion criteria provided. Collection method: clinical testing. Allele origin: germline. Affected: yes. Study: VKGL Data-share Consensus. Not counted in ClinVar's aggregate classification.

Literature cited by the submitters: PubMed 21505070 (cited by Illumina Laboratory Services, Illumina and Eurofins Ntd Llc (ga)).

NM_000528.4(MAN2B1):c.743C>T (p.Pro248Leu)

Gene: MAN2B1 (mannosidase alpha class 2B member 1; minus strand). Cytogenetic location: 19p13.13.
Variant type: single nucleotide variant.
Coding change: c.743C>T on transcript NM_000528.4 (MANE Select); coding-DNA position 743, C replaced by T.
Protein change: p.Pro248Leu; replaces proline 248 with leucine.
Molecular consequence: missense variant.
Genome position (GRCh38, 1-based): chr19:12,663,723, G>A on the plus strand (C>T on the coding strand, the complement: MAN2B1 is on the minus strand). VCF-style: chr19-12663723-G-A. GRCh37 (hg19) VCF-style: chr19-12774537-G-A.
Other names: c.743C>T, p.Pro248Leu (NM_001173498.2); short protein forms P248L.
Identifiers: ClinVar variation 197684 (VCV000197684.66), dbSNP rs117843968, ClinGen allele CA203023.